The following is an entry in ClinVar:

ClinVar aggregate classification (germline): Uncertain significance (1 of 4 stars; one submission).

gnomAD v4.1: 5 of 1,431,654 alleles (0.00035%); highest among the groups gnomAD compares: Admixed American, 0.003%; no homozygotes.

Submission:

Labcorp Genetics (formerly Invitae), Labcorp
Classification: Uncertain significance. Last evaluated: 2022-02-17. Review status: criteria provided, single submitter. Criteria: Invitae Variant Classification Sherloc (09022015). Collection method: clinical testing. Allele origin: germline.
Comment: In summary, the available evidence is currently insufficient to determine the role of this variant in disease. Therefore, it has been classified as a Variant of Uncertain Significance. Algorithms developed to predict the effect of sequence changes on RNA splicing suggest that this variant is not likely to affect RNA splicing. Advanced modeling of protein sequence and biophysical properties (such as structural, functional, and spatial information, amino acid conservation, physicochemical variation, residue mobility, and thermodynamic stability) performed at Invitae indicates that this missense variant is not expected to disrupt KCNQ5 protein function. This variant has not been reported in the literature in individuals affected with KCNQ5-related conditions. This variant is not present in population databases (gnomAD no frequency). This sequence change replaces alanine, which is neutral and non-polar, with threonine, which is neutral and polar, at codon 53 of the KCNQ5 protein (p.Ala53Thr).

NM_019842.4(KCNQ5):c.157G>A (p.Ala53Thr)

Genes: KCNQ5 (potassium voltage-gated channel subfamily Q member 5; plus strand), KCNQ5-DT (KCNQ5 divergent transcript; minus strand). Cytogenetic location: 6q13.
Variant type: single nucleotide variant.
Coding change: c.157G>A on transcript NM_019842.4 (MANE Select); coding-DNA position 157, G replaced by A.
Protein change: p.Ala53Thr; replaces alanine 53 with threonine.
Molecular consequence: missense variant.
Genome position (GRCh38, 1-based): chr6:72,622,346, G>A. VCF-style: chr6-72622346-G-A. GRCh37 (hg19) VCF-style: chr6-73332074-G-A.
Other names: c.157G>A, p.Ala53Thr (NM_001160130.2, NM_001160132.2, NM_001160133.2 and 1 more transcripts); short protein forms A53T.
Identifiers: ClinVar variation 1518475 (VCV001518475.6), dbSNP rs1304012976, ClinGen allele CA364824265.
Genomic context (GRCh38, chr6:72,622,346, plus strand): 5'-GGCAGCGGCATGAAGGATGTGGAGTCCGGCCGGGGCAGGGTGCTGCTGAACTCGGCAGCC[G>A]CCAGGGGCGACGGCCTGCTACTGCTGGGCACCCGCGCGGCCACGCTCGGTGGCGGCGGCG-3'
Protein context (NP_062816.2, residues 43-63): RGRVLLNSAA[Ala53Thr]RGDGLLLLGT